The following is an entry in ClinVar:

NM_000222.3(KIT):c.2131G>A (p.Glu711Lys)

Gene: KIT (KIT proto-oncogene, receptor tyrosine kinase; plus strand). Cytogenetic location: 4q12.
Variant type: single nucleotide variant.
Coding change: c.2131G>A on transcript NM_000222.3 (MANE Select); coding-DNA position 2131, G replaced by A.
Protein change: p.Glu711Lys; replaces glutamic acid 711 with lysine.
Molecular consequence: missense variant.
Genome position (GRCh38, 1-based): chr4:54,729,475, G>A. VCF-style: chr4-54729475-G-A. GRCh37 (hg19) VCF-style: chr4-55595641-G-A.
Other names: c.2119G>A, p.Glu707Lys (NM_001093772.2, NM_001385286.1); c.2134G>A, p.Glu712Lys (NM_001385284.1, NM_001385290.1); c.2131G>A, p.Glu711Lys (NM_001385285.1); c.2122G>A, p.Glu708Lys (NM_001385288.1, NM_001385292.1); short protein forms E707K, E711K, E708K, E712K.
Identifiers: ClinVar variation 850766 (VCV000850766.12), dbSNP rs1060502544, ClinGen allele CA356909880.

ClinVar aggregate classification (germline): Uncertain significance. Review status: criteria provided, multiple submitters, no conflicts (2 of 4 stars). 2 submissions from 2 submitters: Uncertain significance (2). Last evaluated 2024-06-18.

Conditions:
Gastrointestinal stromal tumor. Also called: Gastrointestinal stromal tumor, somatic; Gastrointestinal stroma tumor. Identifiers: Orphanet 44890, MedGen C0238198, MeSH D046152, MONDO:0011719, OMIM 606764, HP:0100723.
Hereditary cancer-predisposing syndrome. Also called: Neoplastic Syndromes, Hereditary; Tumor predisposition; Hereditary Cancer Syndrome; Hereditary neoplastic syndrome. Identifiers: Orphanet 140162, MedGen C0027672, MeSH D009386, MONDO:0015356.

Submissions (2):

Labcorp Genetics (formerly Invitae), Labcorp
Classification: Uncertain significance for Gastrointestinal stromal tumor. Last evaluated: 2024-06-18. Review status: criteria provided, single submitter. Criteria: Invitae Variant Classification Sherloc (09022015). Collection method: clinical testing. Allele origin: germline.
Comment: This sequence change replaces glutamic acid, which is acidic and polar, with lysine, which is basic and polar, at codon 711 of the KIT protein (p.Glu711Lys). This variant is not present in population databases (gnomAD no frequency). This variant has not been reported in the literature in individuals affected with KIT-related conditions. ClinVar contains an entry for this variant (Variation ID: 850766). An algorithm developed to predict the effect of missense changes on protein structure and function (PolyPhen-2) suggests that this variant is likely to be tolerated. In summary, the available evidence is currently insufficient to determine the role of this variant in disease. Therefore, it has been classified as a Variant of Uncertain Significance.

Ambry Genetics
Classification: Uncertain significance for Hereditary cancer-predisposing syndrome. Last evaluated: 2021-09-20. Review status: criteria provided, single submitter. Criteria: Ambry Variant Classification Scheme 2023. Collection method: clinical testing. Allele origin: germline.
Comment: The p.E711K variant (also known as c.2131G>A), located in coding exon 14 of the KIT gene, results from a G to A substitution at nucleotide position 2131. The glutamic acid at codon 711 is replaced by lysine, an amino acid with similar properties. This amino acid position is conserved. In addition, this alteration is predicted to be tolerated by in silico analysis. Since supporting evidence is limited at this time, the clinical significance of this alteration remains unclear.